The following is an entry in ClinVar:

ClinVar aggregate classification (germline): Pathogenic/Likely pathogenic. Review status: criteria provided, multiple submitters, no conflicts (2 of 4 stars). 2 submissions from 2 submitters: Pathogenic (1); Likely pathogenic (1). Last evaluated 2024-04-15.

Conditions:
Hereditary cancer-predisposing syndrome. Also called: Neoplastic Syndromes, Hereditary; Tumor predisposition; Hereditary neoplastic syndrome; Hereditary Cancer Syndrome. Identifiers: Orphanet 140162, MedGen C0027672, MeSH D009386, MONDO:0015356.

Submissions (2):

Quest Diagnostics Nichols Institute San Juan Capistrano
Classification: Likely pathogenic. Last evaluated: 2024-04-15. Review status: criteria provided, single submitter. Criteria: Quest Diagnostics criteria. Collection method: clinical testing. Allele origin: unknown.
Comment: The BRCA2 c.5955_5959del (p.Val1986Glyfs*15) variant alters the translational reading frame of the BRCA2 mRNA and is predicted to cause the premature termination of BRCA2 protein synthesis. This variant has not been reported in individuals with BRCA2-related conditions in the published literature. This variant has not been reported in large, multi-ethnic general populations (Genome Aggregation Database). Based on the available information, this variant is classified as likely pathogenic.

Ambry Genetics
Classification: Pathogenic for Hereditary cancer-predisposing syndrome. Last evaluated: 2023-09-18. Review status: criteria provided, single submitter. Criteria: Ambry Variant Classification Scheme 2023. Collection method: clinical testing. Allele origin: germline.
Comment: The c.5955_5959delTGTCC pathogenic mutation, located in coding exon 10 of the BRCA2 gene, results from a deletion of 5 nucleotides at nucleotide positions 5955 to 5959, causing a translational frameshift with a predicted alternate stop codon (p.V1986Gfs*15). This variant is considered to be rare based on population cohorts in the Genome Aggregation Database (gnomAD). This alteration is expected to result in loss of function by premature protein truncation or nonsense-mediated mRNA decay. As such, this alteration is interpreted as a disease-causing mutation.

NM_000059.4(BRCA2):c.5955_5959del (p.Val1986fs)

Gene: BRCA2 (BRCA2 DNA repair associated; plus strand). Cytogenetic location: 13q13.1.
Variant type: Deletion.
Coding change: c.5955_5959del on transcript NM_000059.4 (MANE Select); coding-DNA positions 5955 to 5959, 5 bases deleted (TGTCC; older notation c.5955_5959delTGTCC).
Protein change: p.Val1986fs; shifts the reading frame from valine 1986.
Molecular consequence: frameshift variant. On other transcripts: non-coding transcript variant (1), intron variant (2).
Genome position (GRCh38, 1-based): chr13:32,340,310-32,340,314, TGTCC deleted; deleting any 5 consecutive bases within chr13:32,340,309-32,340,314 gives the same sequence; the c. name uses the placement nearest the transcript's 3' end. VCF-style (leftmost placement, unchanged base first): chr13-32340308-TCTGTC-T. GRCh37 (hg19) VCF-style: chr13-32914445-TCTGTC-T.
Other names: c.5955_5959delTGTCC, p.Val1986Glyfs (NM_000059.3); c.5955_5959del, p.Val1986fs (NM_001406719.1, NM_001406720.1); c.1910-4248_1910-4244del (NM_001406721.1); c.425-4248_425-4244del (NM_001406722.1); c.5955_5959del (NM_000059.3); short protein forms V1986fs.
Identifiers: ClinVar variation 3227726 (VCV003227726.2), dbSNP rs2548532202, ClinGen allele CA2825002109.